The following is an entry in ClinVar:

ClinVar aggregate classification (germline): Pathogenic (1 of 4 stars; one submission).

Allele frequency attached by ClinVar (database versions not stated): gnomAD exomes 0.00002.

Submission:

Labcorp Genetics (formerly Invitae), Labcorp
Classification: Pathogenic. Last evaluated: 2023-02-05. Review status: criteria provided, single submitter. Criteria: Invitae Variant Classification Sherloc (09022015). Collection method: clinical testing. Allele origin: germline.
Comment: This variant disrupts a region of the WISP3 protein in which other variant(s) (p.Cys114Trp) have been determined to be pathogenic (PMID: 21993478, 22685593, 25553839, 25738435, 28018607). This suggests that this is a clinically significant region of the protein, and that variants that disrupt it are likely to be disease-causing. This variant has not been reported in the literature in individuals affected with WISP3-related conditions. This variant is present in population databases (rs782220219, gnomAD 0.0009%). This sequence change affects the initiator methionine of the WISP3 mRNA. The next in-frame methionine is located at codon 195. For these reasons, this variant has been classified as Pathogenic.

Literature cited by the submitters: PubMed 21993478; PubMed 22685593; PubMed 25553839; PubMed 25738435; PubMed 28018607.

NM_198239.2(CCN6):c.3G>T (p.Met1Ile)

Gene: CCN6 (cellular communication network factor 6; plus strand). Cytogenetic location: 6q21.
Variant type: single nucleotide variant.
Coding change: c.3G>T on transcript NM_198239.2 (MANE Select); coding-DNA position 3, G replaced by T.
Protein change: p.Met1Ile; changes the start codon (methionine 1).
Molecular consequence: missense variant, initiator codon variant. On other transcripts: non-coding transcript variant (2).
Genome position (GRCh38, 1-based): chr6:112,054,360, G>T. VCF-style: chr6-112054360-G-T. GRCh37 (hg19) VCF-style: chr6-112375563-G-T.
Other names: c.3G>T, p.Met1Ile (NM_003880.4); short protein forms M1I.
Identifiers: ClinVar variation 2902108 (VCV002902108.3), dbSNP rs782220219, ClinGen allele CA144878781.